The following is an entry in ClinVar:

ClinVar aggregate classification (germline): Uncertain significance (1 of 4 stars; one submission).

Conditions:
Inborn genetic diseases. Identifiers: MedGen C0950123, MeSH D030342.

gnomAD v4.1: 6 of 1,614,040 alleles (0.00037%); highest among the groups gnomAD compares: South Asian, 0.0011%; no homozygotes.

Submission:

Ambry Genetics
Classification: Uncertain significance for Inborn genetic diseases. Last evaluated: 2025-11-19. Review status: criteria provided, single submitter. Criteria: Ambry Variant Classification Scheme 2023. Collection method: clinical testing. Allele origin: germline.
Comment: The c.1258T>C (p.W420R) alteration is located in exon 11 (coding exon 11) of the RELN gene. This alteration results from a T to C substitution at nucleotide position 1258, causing the tryptophan (W) at amino acid position 420 to be replaced by an arginine (R). Based on data from gnomAD, the C allele has an overall frequency of <0.001% (1/250922) total alleles studied. The highest observed frequency was 0.003% (1/30616) of South Asian alleles. Based on insufficient or conflicting evidence, the clinical significance of this alteration remains unclear.

NM_005045.4(RELN):c.1258T>C (p.Trp420Arg)

Gene: RELN (reelin; minus strand). Cytogenetic location: 7q22.1.
Variant type: single nucleotide variant.
Coding change: c.1258T>C on transcript NM_005045.4 (MANE Select); coding-DNA position 1258, T replaced by C.
Protein change: p.Trp420Arg; replaces tryptophan 420 with arginine.
Molecular consequence: missense variant.
Genome position (GRCh38, 1-based): chr7:103,682,147, A>G on the plus strand (T>C on the coding strand, the complement: RELN is on the minus strand). VCF-style: chr7-103682147-A-G. GRCh37 (hg19) VCF-style: chr7-103322594-A-G.
Other names: c.1258T>C, p.Trp420Arg (NM_173054.3); short protein forms W420R.
Identifiers: ClinVar variation 4629022 (VCV004629022.1).